The following is an entry in ClinVar:

ClinVar aggregate classification (germline): Conflicting classifications of pathogenicity. Review status: criteria provided, conflicting classifications (1 of 4 stars). 5 submissions from 4 submitters: Uncertain significance (2); Likely benign (3). Last evaluated 2026-01-15.

Conditions:
Asphyxiating thoracic dystrophy 5 (SRTD5). Also called: SHORT-RIB THORACIC DYSPLASIA 5 WITH OR WITHOUT POLYDACTYLY; SHORT-RIB THORACIC DYSPLASIA 5 WITHOUT POLYDACTYLY. Identifiers: Orphanet 474, MedGen C3280598, MONDO:0013717, OMIM 614376.
Senior-Loken syndrome 8 (SLSN8). Identifiers: Orphanet 3156, MedGen C4225376, MONDO:0014579, OMIM 616307.
Cranioectodermal dysplasia 4 (CED4). Identifiers: Orphanet 1515, MedGen C3280616, MONDO:0013719, OMIM 614378.

Allele frequency attached by ClinVar (database versions not stated): gnomAD 0.00003 and 0.00004; gnomAD exomes 0.00003 and 0.00006; ExAC 0.00004; TOPMed 0.00004.
gnomAD v4.1: 88 of 1,613,744 alleles (0.0055%); highest among the groups gnomAD compares: Admixed American, 0.0083%; no homozygotes.

Submissions (5):

Labcorp Genetics (formerly Invitae), Labcorp
Classification: Likely benign for Senior-Loken syndrome 8; Asphyxiating thoracic dystrophy 5. Last evaluated: 2026-01-15. Review status: criteria provided, single submitter. Criteria: Invitae Variant Classification Sherloc (09022015). Collection method: clinical testing. Allele origin: germline.

Blueprint Genetics
Classification: Likely benign. Last evaluated: 2022-09-15. Review status: criteria provided, single submitter. Criteria: ACMG Guidelines, 2015. Collection method: clinical testing. Allele origin: germline.

ARUP Laboratories, Molecular Genetics and Genomics, ARUP Laboratories
Classification: Likely benign. Last evaluated: 2018-03-04. Review status: criteria provided, single submitter. Criteria: ARUP Molecular Germline Variant Investigation Process. Collection method: clinical testing. Allele origin: germline.
Comment: The c.2577G>A; p.Ala859Ala variant (rs753596825) does not alter the amino acid sequence of the WDR19 protein and computational splice site prediction algorithms do not predict a change in the nearest splice site or creation of a cryptic splice site. This variant has not been reported in medical literature or in gene specific variation databases. This variant is listed in the genome Aggregation Database (gnomAD) with an overall population frequency of 0.004% (identified on 10 out of 276,824 chromosomes). Based on the available information, the c.2577G>A variant is likely to be benign.

Illumina Laboratory Services, Illumina
Classification: Uncertain significance for Cranioectodermal dysplasia 4. Last evaluated: 2018-01-13. Review status: criteria provided, single submitter. Criteria: ICSL Variant Classification Criteria 13 December 2019. Collection method: clinical testing. Allele origin: germline.

Illumina Laboratory Services, Illumina
Classification: Uncertain significance for Asphyxiating thoracic dystrophy 5. Last evaluated: 2018-01-13. Review status: criteria provided, single submitter. Criteria: ICSL Variant Classification Criteria 13 December 2019. Collection method: clinical testing. Allele origin: germline.

NM_025132.4(WDR19):c.2577G>A (p.Ala859=)

Gene: WDR19 (WD repeat domain 19; plus strand). Cytogenetic location: 4p14.
Variant type: single nucleotide variant.
Coding change: c.2577G>A on transcript NM_025132.4 (MANE Select); coding-DNA position 2577, G replaced by A.
Protein change: p.Ala859=; no amino-acid change (alanine 859 retained).
Molecular consequence: synonymous variant.
Genome position (GRCh38, 1-based): chr4:39,244,484, G>A. VCF-style: chr4-39244484-G-A. GRCh37 (hg19) VCF-style: chr4-39246104-G-A.
Other names: c.2097G>A, p.Ala699= (NM_001317924.2).
Identifiers: ClinVar variation 618489 (VCV000618489.21), dbSNP rs753596825, ClinGen allele CA2892119.